The following is an entry in ClinVar:

GRCh38/hg38 2p25.3(chr2:30341-429942)x1

Genes: ACP1 (acid phosphatase 1; plus strand), ALKAL2 (ALK and LTK ligand 2; minus strand), FAM110C (family with sequence similarity 110 member C; minus strand), LINC01865 (long intergenic non-protein coding RNA 1865; plus strand), SH3YL1 (SH3 and SYLF domain containing 1; minus strand) and 11 more. Cytogenetic location: 2p25.3.
Variant type: copy number loss.
Change: copy number 1 (one copy instead of two) of chr2:30,341-429,942 (399.6 kb, GRCh38 coordinates, 1-based), cytogenetic band 2p25.3.
Identifiers: ClinVar variation 58344 (VCV000058344.1).

ClinVar aggregate classification (germline): Uncertain significance (1 of 4 stars; one submission).

Submission:

ISCA site 4
Classification: Uncertain significance. Last evaluated: 2011-08-12. Review status: criteria provided, single submitter. Criteria: Kaminsky et al. (Genet Med. 2011). Collection method: clinical testing. Allele origin: unknown. Affected: yes. Observed: 1 variant allele.
Comment: Copy number variation identified through the course of routine clinical cytogenomic testing in postnatal populations. Clinical assertions have been curated as described in Kaminsky et al. 2011.